The following is an entry in ClinVar:

NM_032040.5(CCDC8):c.578G>A (p.Arg193Lys)

Gene: CCDC8 (coiled-coil domain containing 8 subunit of 3M complex; minus strand). Cytogenetic location: 19q13.32.
Variant type: single nucleotide variant.
Coding change: c.578G>A on transcript NM_032040.5 (MANE Select); coding-DNA position 578, G replaced by A.
Protein change: p.Arg193Lys; replaces arginine 193 with lysine.
Molecular consequence: missense variant.
Genome position (GRCh38, 1-based): chr19:46,412,233, C>T on the plus strand (G>A on the coding strand, the complement: CCDC8 is on the minus strand). VCF-style: chr19-46412233-C-T. GRCh37 (hg19) VCF-style: chr19-46915490-C-T.
Other names: short protein forms R193K.
Identifiers: ClinVar variation 2184416 (VCV002184416.4), dbSNP rs763220069, ClinGen allele CA9528685.

ClinVar aggregate classification (germline): Uncertain significance (1 of 4 stars; one submission).

Allele frequency attached by ClinVar (database versions not stated): TOPMed below 0.00001; ExAC 0.00001.
gnomAD v4.1: 11 of 1,600,862 alleles (0.00069%); highest among the groups gnomAD compares: Non-Finnish European, 0.00085%; no homozygotes.

Submission:

Labcorp Genetics (formerly Invitae), Labcorp
Classification: Uncertain significance. Last evaluated: 2022-07-19. Review status: criteria provided, single submitter. Criteria: Invitae Variant Classification Sherloc (09022015). Collection method: clinical testing. Allele origin: germline.
Comment: Algorithms developed to predict the effect of missense changes on protein structure and function (SIFT, PolyPhen-2, Align-GVGD) all suggest that this variant is likely to be disruptive. This variant has not been reported in the literature in individuals affected with CCDC8-related conditions. This variant is present in population databases (rs763220069, gnomAD 0.0009%). This sequence change replaces arginine, which is basic and polar, with lysine, which is basic and polar, at codon 193 of the CCDC8 protein (p.Arg193Lys). In summary, the available evidence is currently insufficient to determine the role of this variant in disease. Therefore, it has been classified as a Variant of Uncertain Significance.